The following is an entry in ClinVar:

NM_058246.4(DNAJB6):c.790C>T (p.Arg264Trp)

Gene: DNAJB6 (DnaJ heat shock protein family (Hsp40) member B6; plus strand). Cytogenetic location: 7q36.3.
Variant type: single nucleotide variant.
Coding change: c.790C>T on transcript NM_058246.4 (MANE Select); coding-DNA position 790, C replaced by T.
Protein change: p.Arg264Trp; replaces arginine 264 with tryptophan.
Molecular consequence: missense variant.
Genome position (GRCh38, 1-based): chr7:157,409,893, C>T. VCF-style: chr7-157409893-C-T. GRCh37 (hg19) VCF-style: chr7-157202587-C-T.
Other names: c.445C>T, p.Arg149Trp (NM_001363676.1); short protein forms R264W, R149W.
Identifiers: ClinVar variation 839693 (VCV000839693.10), dbSNP rs769302164, ClinGen allele CA4590647.
Genomic context (GRCh38, chr7:157,409,893, plus strand): 5'-CGGAGAGGCCAGAACGCCCTGCCAGCCCAGCCTGCCGGCCTCCGCCCGCCGAAGCCGCCC[C>T]GGCCTGCCTCGCTGCTGAGACACGCGCCTCACTGTCTCTCTGAGGAGGAGGGCGAGCAGG-3'
Protein context (NP_490647.1, residues 254-274): PAGLRPPKPP[Arg264Trp]PASLLRHAPH

ClinVar aggregate classification (germline): Uncertain significance (1 of 4 stars; one submission).

Conditions:
Autosomal dominant limb-girdle muscular dystrophy type 1D (DNAJB6) (LGMDD1). Also called: MUSCULAR DYSTROPHY, LIMB-GIRDLE, TYPE 1D; Autosomal dominant limb-girdle muscular dystrophy type 1D; Muscular dystrophy, limb-girdle, autosomal dominant 1; MUSCULAR DYSTROPHY, AUTOSOMAL DOMINANT, WITH RIMMED VACUOLES. Identifiers: Orphanet 34516, MedGen C4721885, MONDO:0021018, OMIM 603511.

Allele frequency attached by ClinVar (database versions not stated): gnomAD exomes 0.00002; gnomAD 0.00003 and 0.00004; TOPMed 0.00004; ExAC 0.00009.
gnomAD v4.1: 29 of 1,533,956 alleles (0.0019%); highest among the groups gnomAD compares: Non-Finnish European, 0.0024%; no homozygotes.

Submission:

Labcorp Genetics (formerly Invitae), Labcorp
Classification: Uncertain significance for Autosomal dominant limb-girdle muscular dystrophy type 1D (DNAJB6). Last evaluated: 2025-09-13. Review status: criteria provided, single submitter. Criteria: Invitae Variant Classification Sherloc (09022015). Collection method: clinical testing. Allele origin: germline.
Comment: This sequence change replaces arginine, which is basic and polar, with tryptophan, which is neutral and slightly polar, at codon 264 of the DNAJB6 protein (p.Arg264Trp). The frequency data for this variant in the population databases is considered unreliable, as metrics indicate poor data quality at this position in the gnomAD database. This variant has not been reported in the literature in individuals affected with DNAJB6-related conditions. ClinVar contains an entry for this variant (Variation ID: 839693). Invitae Evidence Modeling of protein sequence and biophysical properties (such as structural, functional, and spatial information, amino acid conservation, physicochemical variation, residue mobility, and thermodynamic stability) indicates that this missense variant is not expected to disrupt DNAJB6 protein function with a negative predictive value of 80%. In summary, the available evidence is currently insufficient to determine the role of this variant in disease. Therefore, it has been classified as a Variant of Uncertain Significance.